The following is an entry in ClinVar:

ClinVar aggregate classification (germline): Uncertain significance. Review status: criteria provided, multiple submitters, no conflicts (2 of 4 stars). 2 submissions from 2 submitters: Uncertain significance (2). Last evaluated 2023-12-22.

Conditions:
Inborn genetic diseases. Identifiers: MedGen C0950123, MeSH D030342.
Combined immunodeficiency due to LRBA deficiency. Also called: Common variable immunodeficiency 8, with autoimmunity. Identifiers: Orphanet 445018, MedGen C3553512, MONDO:0013863, OMIM 614700.

Allele frequency attached by ClinVar (database versions not stated): gnomAD 0.00001; gnomAD exomes 0.00001.
gnomAD v4.1: 8 of 1,613,682 alleles (0.0005%); highest among the groups gnomAD compares: Non-Finnish European, 0.00068%; no homozygotes.

Submissions (2):

Ambry Genetics
Classification: Uncertain significance for Inborn genetic diseases. Last evaluated: 2023-12-22. Review status: criteria provided, single submitter. Criteria: Ambry Variant Classification Scheme 2023. Collection method: clinical testing. Allele origin: germline.

Labcorp Genetics (formerly Invitae), Labcorp
Classification: Uncertain significance for Combined immunodeficiency due to LRBA deficiency. Last evaluated: 2022-01-01. Review status: criteria provided, single submitter. Criteria: Invitae Variant Classification Sherloc (09022015). Collection method: clinical testing. Allele origin: germline.
Comment: Algorithms developed to predict the effect of missense changes on protein structure and function are either unavailable or do not agree on the potential impact of this missense change (SIFT: "Tolerated"; PolyPhen-2: "Probably Damaging"; Align-GVGD: "Class C0"). This variant has not been reported in the literature in individuals affected with LRBA-related conditions. This variant is not present in population databases (gnomAD no frequency). This sequence change replaces aspartic acid, which is acidic and polar, with asparagine, which is neutral and polar, at codon 410 of the LRBA protein (p.Asp410Asn). In summary, the available evidence is currently insufficient to determine the role of this variant in disease. Therefore, it has been classified as a Variant of Uncertain Significance.

NM_001364905.1(LRBA):c.1228G>A (p.Asp410Asn)

Gene: LRBA (LPS responsive beige-like anchor protein; minus strand). Cytogenetic location: 4q31.3.
Variant type: single nucleotide variant.
Coding change: c.1228G>A on transcript NM_001364905.1 (MANE Select); coding-DNA position 1228, G replaced by A.
Protein change: p.Asp410Asn; replaces aspartic acid 410 with asparagine.
Molecular consequence: missense variant.
Genome position (GRCh38, 1-based): chr4:150,908,791, C>T on the plus strand (G>A on the coding strand, the complement: LRBA is on the minus strand). VCF-style: chr4-150908791-C-T. GRCh37 (hg19) VCF-style: chr4-151829943-C-T.
Other names: c.1228G>A, p.Asp410Asn (NM_001199282.3, NM_001367550.1, NM_006726.5); short protein forms D410N.
Identifiers: ClinVar variation 1349067 (VCV001349067.7), dbSNP rs867436941, ClinGen allele CA107820730.
Genomic context (GRCh38, chr4:150,908,791, plus strand): 5'-GCTGGGCATCTGTAGCCCGTGGATTGTACGTGAATGCAATGGCACTAGAGAGTTTCCCAT[C>T]GTACAATAAAAGTTTGTGATGCTCAGCAAGGAAAAGGTCGCTTTCTGCTTTGAATTTAAA-3'
Protein context (NP_001351834.1, residues 400-420): LAEHHKLLLY[Asp410Asn]GKLSSAIAFT